The following is an entry in ClinVar:

NM_000023.4(SGCA):c.270C>G (p.Tyr90Ter)

Gene: SGCA (sarcoglycan alpha; plus strand). Cytogenetic location: 17q21.33.
Variant type: single nucleotide variant.
Coding change: c.270C>G on transcript NM_000023.4 (MANE Select); coding-DNA position 270, C replaced by G.
Protein change: p.Tyr90Ter; replaces tyrosine 90 with a stop codon.
Molecular consequence: nonsense. On other transcripts: non-coding transcript variant (1).
Genome position (GRCh38, 1-based): chr17:50,167,694, C>G. VCF-style: chr17-50167694-C-G. GRCh37 (hg19) VCF-style: chr17-48245055-C-G.
Other names: c.270C>G, p.Tyr90Ter (NM_001135697.3); short protein forms Y90*.
Identifiers: ClinVar variation 3240445 (VCV003240445.2), dbSNP rs749205073.

ClinVar aggregate classification (germline): Pathogenic/Likely pathogenic. Review status: criteria provided, multiple submitters, no conflicts (2 of 4 stars). 2 submissions from 2 submitters: Pathogenic (1); Likely pathogenic (1). Last evaluated 2023-12-27.

Conditions:
Autosomal recessive limb-girdle muscular dystrophy type 2D (LGMDR3). Also called: DUCHENNE-LIKE AUTOSOMAL RECESSIVE MUSCULAR DYSTROPHY, TYPE 2; MUSCULAR DYSTROPHY, LIMB-GIRDLE, AUTOSOMAL RECESSIVE 3; ADHALINOPATHY, PRIMARY. Identifiers: Orphanet 62, MedGen C2936332, MONDO:0011968, OMIM 608099. Disease mechanism: Affects gamma-sarcoglycan and also disrupts the integrity of the entire sarcoglycan complex..

Submissions (2):

Baylor Genetics
Classification: Likely pathogenic for Autosomal recessive limb-girdle muscular dystrophy type 2D. Last evaluated: 2023-12-27. Review status: criteria provided, single submitter. Criteria: ACMG Guidelines, 2015. Collection method: clinical testing. Allele origin: unknown.

Myriad Genetics, Inc.
Classification: Pathogenic for Autosomal recessive limb-girdle muscular dystrophy type 2D. Last evaluated: 2023-11-04. Review status: criteria provided, single submitter. Criteria: Myriad Autosomal Dominant, Autosomal Recessive and X-Linked Classification Criteria (2023). Collection method: clinical testing. Allele origin: unknown.
Comment: NM_000023.2(SGCA):c.270C>G(Y90*) is expected to be pathogenic in the context of alpha-sarcoglycanopathy. This variant is predicted to lead to an abnormal or absent protein product due to the creation of a premature termination codon in SGCA, a gene where loss-of-function variants are known to be pathogenic. Please note: this variant was assessed in the context of healthy population screening.